The following is an entry in ClinVar:

ClinVar aggregate classification (germline): Conflicting classifications of pathogenicity. Review status: criteria provided, conflicting classifications (1 of 4 stars). 5 submissions from 5 submitters: Uncertain significance (1); Benign (1); Likely benign (3). Last evaluated 2025-08-02.

Allele frequency attached by ClinVar (database versions not stated): gnomAD exomes 0.00197; ExAC 0.00262; ESP Exome Variant Server 0.00337; gnomAD 0.00391 and 0.00413; TOPMed 0.00462; 1000 Genomes Project 30x 0.00500; 1000 Genomes Project 0.00519.

Submissions (5):

Ambry Genetics
Classification: Uncertain significance. Last evaluated: 2025-08-02. Review status: criteria provided, single submitter. Criteria: Ambry Variant Classification Scheme 2023. Collection method: clinical testing. Allele origin: germline.

CeGaT Center for Human Genetics Tuebingen
Classification: Likely benign. Last evaluated: 2025-01-01. Review status: criteria provided, single submitter. Criteria: CeGaT Center For Human Genetics Tuebingen Variant Classification Criteria Version 2. Collection method: clinical testing. Allele origin: germline. Affected: yes. Observed: 1 variant allele.
Comment: MUC5B: BP4, BS1

Labcorp Genetics (formerly Invitae), Labcorp
Classification: Benign. Last evaluated: 2019-12-31. Review status: criteria provided, single submitter. Criteria: Invitae Variant Classification Sherloc (09022015). Collection method: clinical testing. Allele origin: germline.

Laboratory for Molecular Medicine, Mass General Brigham Personalized Medicine
Classification: Likely benign. Last evaluated: 2013-02-21. Review status: criteria provided, single submitter. Criteria: LMM Criteria. Collection method: clinical testing. Allele origin: germline. Observed: 1 variant allele.
Comment: Thr810Asn in exon 20 of MUC5B: This variant is not expected to have clinical sig nificance because it has been identified in 0.8% (32/3916) of African American c hromosomes from a broad population by the NHLBI Exome Sequencing Project (dbSNP rs190624357).

Breakthrough Genomics
Classification: Likely benign. Review status: criteria provided, single submitter. Criteria: ACMG Guidelines, 2015. Collection method: not provided. Allele origin: germline. Inheritance: Autosomal dominant inheritance. Affected: yes.

NM_002458.3(MUC5B):c.2429C>A (p.Thr810Asn)

Gene: MUC5B (mucin 5B, oligomeric mucus/gel-forming; plus strand). Cytogenetic location: 11p15.5.
Variant type: single nucleotide variant.
Coding change: c.2429C>A on transcript NM_002458.3 (MANE Select); coding-DNA position 2429, C replaced by A.
Protein change: p.Thr810Asn; replaces threonine 810 with asparagine.
Molecular consequence: missense variant.
Genome position (GRCh38, 1-based): chr11:1,234,256, C>A. VCF-style: chr11-1234256-C-A. GRCh37 (hg19) VCF-style: chr11-1255486-C-A.
Other names: short protein forms T810N.
Identifiers: ClinVar variation 178789 (VCV000178789.23), dbSNP rs190624357, ClinGen allele CA183042.